The following is an entry in ClinVar:

ClinVar aggregate classification (germline): Uncertain significance. Review status: criteria provided, multiple submitters, no conflicts (2 of 4 stars). 6 submissions from 6 submitters: Uncertain significance (6). Last evaluated 2025-10-21.

Conditions:
Familial thoracic aortic aneurysm and aortic dissection (TAAD). Also called: Thoracic aortic aneurysms and dissections. Identifiers: Orphanet 91387, MedGen C4707243, MONDO:0019625.
Ehlers-Danlos syndrome, kyphoscoliotic type 1 (EDSKSCL1). Also called: EHLERS-DANLOS SYNDROME, OCULAR-SCOLIOTIC TYPE; Ehlers-Danlos syndrome, hydroxylysine-deficient; PLOD1-Related Kyphoscoliotic Ehlers-Danlos Syndrome; EHLERS-DANLOS SYNDROME, TYPE VIA. Identifiers: Orphanet 1900, MedGen C0268342, MONDO:0016002, OMIM 225400. Disease mechanism: loss of function.

Allele frequency attached by ClinVar (database versions not stated): gnomAD exomes 0.00003; ExAC 0.00004; TOPMed 0.00006; gnomAD 0.00007.
gnomAD v4.1: 49 of 1,613,984 alleles (0.003%); highest among the groups gnomAD compares: Admixed American, 0.028%; 1 homozygote.

Submissions (6):

Mayo Clinic Laboratories, Mayo Clinic
Classification: Uncertain significance. Last evaluated: 2025-10-21. Review status: criteria provided, single submitter. Criteria: ACMG Guidelines, 2015. Collection method: clinical testing. Allele origin: germline. Observed: 1 variant allele.

Blueprint Genetics
Classification: Uncertain significance. Last evaluated: 2024-09-02. Review status: criteria provided, single submitter. Criteria: ACMG Guidelines, 2015. Collection method: clinical testing. Allele origin: germline.

Ambry Genetics
Classification: Uncertain significance for Familial thoracic aortic aneurysm and aortic dissection. Last evaluated: 2023-09-11. Review status: criteria provided, single submitter. Criteria: Ambry Variant Classification Scheme 2023. Collection method: clinical testing. Allele origin: germline.
Comment: The p.P143L variant (also known as c.428C>T), located in coding exon 4 of the PLOD1 gene, results from a C to T substitution at nucleotide position 428. The proline at codon 143 is replaced by leucine, an amino acid with similar properties. This amino acid position is conserved. In addition, the in silico prediction for this alteration is inconclusive. Since supporting evidence is limited at this time, the clinical significance of this alteration remains unclear.

GeneDx
Classification: Uncertain significance. Last evaluated: 2023-07-18. Review status: criteria provided, single submitter. Criteria: GeneDx Variant Classification Process June 2021. Collection method: clinical testing. Allele origin: germline. Affected: yes.
Comment: In silico analysis supports that this missense variant has a deleterious effect on protein structure/function; Has not been previously published as pathogenic or benign to our knowledge

Labcorp Genetics (formerly Invitae), Labcorp
Classification: Uncertain significance for Ehlers-Danlos syndrome, kyphoscoliotic type 1. Last evaluated: 2022-05-22. Review status: criteria provided, single submitter. Criteria: Invitae Variant Classification Sherloc (09022015). Collection method: clinical testing. Allele origin: germline.
Comment: This sequence change replaces proline, which is neutral and non-polar, with leucine, which is neutral and non-polar, at codon 143 of the PLOD1 protein (p.Pro143Leu). This variant is present in population databases (rs760372600, gnomAD 0.03%), including at least one homozygous and/or hemizygous individual. This variant has not been reported in the literature in individuals affected with PLOD1-related conditions. Algorithms developed to predict the effect of missense changes on protein structure and function (SIFT, PolyPhen-2, Align-GVGD) all suggest that this variant is likely to be disruptive. In summary, the available evidence is currently insufficient to determine the role of this variant in disease. Therefore, it has been classified as a Variant of Uncertain Significance.

Revvity Omics, Revvity
Classification: Uncertain significance for Ehlers-Danlos syndrome, kyphoscoliotic type 1. Last evaluated: 2020-03-30. Review status: criteria provided, single submitter. Criteria: ACMG Guidelines, 2015. Collection method: clinical testing. Allele origin: germline.

NM_000302.4(PLOD1):c.428C>T (p.Pro143Leu)

Gene: PLOD1 (procollagen-lysine,2-oxoglutarate 5-dioxygenase 1; plus strand). Cytogenetic location: 1p36.22.
Variant type: single nucleotide variant.
Coding change: c.428C>T on transcript NM_000302.4 (MANE Select); coding-DNA position 428, C replaced by T.
Protein change: p.Pro143Leu; replaces proline 143 with leucine.
Molecular consequence: missense variant.
Genome position (GRCh38, 1-based): chr1:11,950,482, C>T. VCF-style: chr1-11950482-C-T. GRCh37 (hg19) VCF-style: chr1-12010539-C-T.
Other names: p.Pro143Leu; c.569C>T, p.Pro190Leu (NM_001316320.2); short protein forms P190L, P143L.
Identifiers: ClinVar variation 2067465 (VCV002067465.8), dbSNP rs760372600, ClinGen allele CA597892.